The following is an entry in ClinVar:

NM_016373.4(WWOX):c.1057-2A>G

Genes: MAF (MAF bZIP transcription factor; minus strand), WWOX (WW domain containing oxidoreductase; plus strand). Cytogenetic location: 16q23.2.
Variant type: single nucleotide variant.
Coding change: c.1057-2A>G on transcript NM_016373.4 (MANE Select); the canonical splice acceptor site of the intron before coding-DNA position 1057, A replaced by G.
Molecular consequence: splice acceptor variant.
Genome position (GRCh38, 1-based): chr16:79,211,606, A>G. VCF-style: chr16-79211606-A-G. GRCh37 (hg19) VCF-style: chr16-79245503-A-G.
Other names: c.718-2A>G (NM_001291997.2).
Identifiers: ClinVar variation 1418567 (VCV001418567.4), dbSNP rs1233583078, ClinGen allele CA396536915.
Genomic context (GRCh38, chr16:79,211,606, plus strand): 5'-TGACGCCATCTCATCACTCCTTTTCTTAAAATTTTTTTTTGTCTTTCTTCTTGGATTTCC[A>G]GCAACAGGGAGCTGCCACCACCGTGTACTGTGCTGCTGTCCCAGAACTGGAGGGTCTGGG-3'

ClinVar aggregate classification (germline): Uncertain significance (1 of 4 stars; one submission).

Conditions:
Developmental and epileptic encephalopathy, 1 (DEE1). Also called: X-linked infantile spasms; West's syndrome; Tonic spasms with clustering, arrest of psychomotor development and hypsarrhythmia on EEG; X-Linked Infantile Spasm Syndrome; OHTAHARA SYNDROME, X-LINKED; Epileptic encephalopathy, early infantile, 1. Identifiers: MedGen C3463992, MONDO:0010632, OMIM 308350. Disease mechanism: loss of function.
Autosomal recessive spinocerebellar ataxia 12. Also called: SPINOCEREBELLAR ATAXIA WITH MENTAL RETARDATION AND EPILEPSY. Identifiers: Orphanet 284282, MedGen C3280452, MONDO:0013687, OMIM 614322.

Allele frequency attached by ClinVar (database versions not stated): TOPMed below 0.00001.

Submission:

Labcorp Genetics (formerly Invitae), Labcorp
Classification: Uncertain significance for Developmental and epileptic encephalopathy, 1; Autosomal recessive spinocerebellar ataxia 12. Last evaluated: 2021-07-14. Review status: criteria provided, single submitter. Criteria: Invitae Variant Classification Sherloc (09022015). Collection method: clinical testing. Allele origin: germline.
Comment: This variant has not been reported in the literature in individuals affected with WWOX-related conditions. In summary, the available evidence is currently insufficient to determine the role of this variant in disease. Therefore, it has been classified as a Variant of Uncertain Significance. Nucleotide substitutions within the consensus splice site are a relatively common cause of aberrant splicing (PMID: 17576681, 9536098). Algorithms developed to predict the effect of sequence changes on RNA splicing suggest that this variant may disrupt the consensus splice site. This variant is not present in population databases (ExAC no frequency). This sequence change affects an acceptor splice site in intron 8 of the WWOX gene. While this variant is not anticipated to result in nonsense mediated decay, it likely alters RNA splicing and results in a disrupted protein product.

Literature cited by the submitters: PubMed 17576681; PubMed 9536098.